The following is an entry in ClinVar:

NM_212482.4(FN1):c.2791G>A (p.Glu931Lys)

Gene: FN1 (fibronectin 1; minus strand). Cytogenetic location: 2q35.
Variant type: single nucleotide variant.
Coding change: c.2791G>A on transcript NM_212482.4 (MANE Select); coding-DNA position 2791, G replaced by A.
Protein change: p.Glu931Lys; replaces glutamic acid 931 with lysine.
Molecular consequence: missense variant.
Genome position (GRCh38, 1-based): chr2:215,406,433, C>T on the plus strand (G>A on the coding strand, the complement: FN1 is on the minus strand). VCF-style: chr2-215406433-C-T. GRCh37 (hg19) VCF-style: chr2-216271156-C-T.
Other names: c.2791G>A, p.Glu931Lys (NM_001306130.2, NM_001306131.2, NM_001306129.2 and 13 more transcripts); short protein forms E931K.
Identifiers: ClinVar variation 2907857 (VCV002907857.3), dbSNP rs758125796, ClinGen allele CA2094871.

ClinVar aggregate classification (germline): Uncertain significance (1 of 4 stars; one submission).

gnomAD v4.1: 31 of 1,614,086 alleles (0.0019%); highest among the groups gnomAD compares: Admixed American, 0.0033%; no homozygotes.

Submission:

Labcorp Genetics (formerly Invitae), Labcorp
Classification: Uncertain significance. Last evaluated: 2025-09-13. Review status: criteria provided, single submitter. Criteria: Invitae Variant Classification Sherloc (09022015). Collection method: clinical testing. Allele origin: germline.
Comment: This sequence change replaces glutamic acid, which is acidic and polar, with lysine, which is basic and polar, at codon 931 of the FN1 protein (p.Glu931Lys). This variant is present in population databases (rs758125796, gnomAD 0.007%). This variant has not been reported in the literature in individuals affected with FN1-related conditions. ClinVar contains an entry for this variant (Variation ID: 2907857). An algorithm developed to predict the effect of missense changes on protein structure and function (PolyPhen-2) suggests that this variant is likely to be tolerated. In summary, the available evidence is currently insufficient to determine the role of this variant in disease. Therefore, it has been classified as a Variant of Uncertain Significance.